The following is an entry in ClinVar:

ClinVar aggregate classification (germline): Pathogenic/Likely pathogenic. Review status: criteria provided, multiple submitters, no conflicts (2 of 4 stars). 2 submissions from 2 submitters: Pathogenic (1); Likely pathogenic (1). Last evaluated 2025-09-27.

Conditions:
Dilated cardiomyopathy 1G (CMD1G). Identifiers: Orphanet 154, MedGen C1858763, MONDO:0011400, OMIM 604145.
Autosomal recessive limb-girdle muscular dystrophy type 2J (LGMDR10). Also called: Limb-girdle muscular dystrophy, type 2J; MUSCULAR DYSTROPHY, LIMB-GIRDLE, AUTOSOMAL RECESSIVE 10. Identifiers: Orphanet 140922, MedGen C1837342, MONDO:0012127, OMIM 608807.

Submissions (2):

Labcorp Genetics (formerly Invitae), Labcorp
Classification: Likely pathogenic for Dilated cardiomyopathy 1G; Autosomal recessive limb-girdle muscular dystrophy type 2J. Last evaluated: 2025-09-27. Review status: criteria provided, single submitter. Criteria: Invitae Variant Classification Sherloc (09022015). Collection method: clinical testing. Allele origin: germline.
Comment: This sequence change creates a premature translational stop signal (p.Asn25465*) in the TTN gene. While this is not anticipated to result in nonsense mediated decay, it is expected to create a truncated TTN protein. This variant is not present in population databases (gnomAD no frequency). This premature translational stop signal has been observed in individual(s) with centronuclear myopathy (PMID: 23975875). This variant is also known as N22897fs. ClinVar contains an entry for this variant (Variation ID: 242625). This variant is located in the A band of TTN (PMID: 25589632). Truncating variants in this region are significantly overrepresented in patients affected with dilated cardiomyopathy (PMID: 25589632). Truncating variants in this region have also been reported in individuals affected with autosomal recessive centronuclear myopathy (PMID: 23975875). In summary, the currently available evidence indicates that the variant is pathogenic, but additional data are needed to prove that conclusively. Therefore, this variant has been classified as Likely Pathogenic.

CeGaT Center for Human Genetics Tuebingen
Classification: Pathogenic. Last evaluated: 2023-08-01. Review status: criteria provided, single submitter. Criteria: CeGaT Center For Human Genetics Tuebingen Variant Classification Criteria Version 2. Collection method: clinical testing. Allele origin: germline. Affected: yes. Observed: 1 variant allele.
Comment: TTN: PVS1, PM2

Literature cited by the submitters: PubMed 23975875 (cited by Labcorp Genetics (formerly Invitae), Labcorp); PubMed 25589632 (cited by Labcorp Genetics (formerly Invitae), Labcorp).

NM_001267550.2(TTN):c.76393_76396del (p.Thr25464_Asn25465insTer)

Genes: TTN (titin; minus strand), TTN-AS1 (TTN antisense RNA 1; plus strand). Cytogenetic location: 2q31.2.
Variant type: Microsatellite.
Coding change: c.76393_76396del on transcript NM_001267550.2 (MANE Select); coding-DNA positions 76393 to 76396, 4 bases deleted (AACA; older notation c.76393_76396delAACA).
Protein change: p.Thr25464_Asn25465insTer.
Molecular consequence: nonsense.
Genome position (GRCh38, 1-based): chr2:178,569,736-178,569,739, TGTT deleted on the plus strand (AACA on the coding strand, the reverse complement: TTN is on the minus strand); deleting any 4 consecutive bases within chr2:178,569,736-178,569,744 gives the same sequence; the c. name uses the placement nearest the transcript's 3' end. VCF-style (leftmost placement, unchanged base first): chr2-178569735-ATGTT-A. GRCh37 (hg19) VCF-style: chr2-179434462-ATGTT-A.
Other names: c.71470_71473del, p.Thr23823_Asn23824insTer (NM_001256850.1); c.49198_49201del, p.Thr16399_Asn16400insTer (NM_003319.4); c.68689_68692del, p.Thr22896_Asn22897insTer (NM_133378.4); c.49573_49576del, p.Thr16524_Asn16525insTer (NM_133432.3); c.49774_49777del, p.Thr16591_Asn16592insTer (NM_133437.4); c.76393_76396delAACA (NM_001267550.2); c.68689_68692delAACA (NM_133378.4).
Identifiers: ClinVar variation 242625 (VCV000242625.34), dbSNP rs727504483, ClinGen allele CA049107.